The following is an entry in ClinVar:

ClinVar aggregate classification (germline): Uncertain significance. Review status: criteria provided, multiple submitters, no conflicts (2 of 4 stars). 3 submissions from 3 submitters: Uncertain significance (3). Last evaluated 2024-05-13.

Conditions:
Hereditary cancer-predisposing syndrome. Also called: Tumor predisposition; Hereditary neoplastic syndrome; Neoplastic Syndromes, Hereditary; Hereditary Cancer Syndrome. Identifiers: Orphanet 140162, MedGen C0027672, MeSH D009386, MONDO:0015356.
Familial adenomatous polyposis 1 (FAP1). Also called: FAMILIAL ADENOMATOUS POLYPOSIS 1, ATTENUATED; POLYPOSIS, ADENOMATOUS INTESTINAL. Identifiers: MedGen C2713442, MONDO:0021056, OMIM 175100. Disease mechanism: loss of function.

Submissions (3):

Color Diagnostics, LLC DBA Color Health
Classification: Uncertain significance for Hereditary cancer-predisposing syndrome. Last evaluated: 2024-05-13. Review status: criteria provided, single submitter. Criteria: ACMG Guidelines, 2015. Collection method: clinical testing. Allele origin: germline.
Comment: This missense variant replaces alanine with threonine at codon 1879 of the APC protein. Computational prediction suggests that this variant may not impact protein structure and function (internally defined REVEL score threshold <= 0.5, PMID: 27666373). To our knowledge, functional studies have not been reported for this variant. This variant has not been reported in individuals affected with APC-related disorders in the literature. This variant has not been identified in the general population by the Genome Aggregation Database (gnomAD). The available evidence is insufficient to determine the role of this variant in disease conclusively. Therefore, this variant is classified as a Variant of Uncertain Significance.

Labcorp Genetics (formerly Invitae), Labcorp
Classification: Uncertain significance for Familial adenomatous polyposis 1. Last evaluated: 2024-02-02. Review status: criteria provided, single submitter. Criteria: Invitae Variant Classification Sherloc (09022015). Collection method: clinical testing. Allele origin: germline.
Comment: This sequence change replaces alanine, which is neutral and non-polar, with threonine, which is neutral and polar, at codon 1879 of the APC protein (p.Ala1879Thr). This variant is not present in population databases (gnomAD no frequency). This variant has not been reported in the literature in individuals affected with APC-related conditions. ClinVar contains an entry for this variant (Variation ID: 1493216). Advanced modeling of protein sequence and biophysical properties (such as structural, functional, and spatial information, amino acid conservation, physicochemical variation, residue mobility, and thermodynamic stability) performed at Invitae indicates that this missense variant is not expected to disrupt APC protein function with a negative predictive value of 95%. In summary, the available evidence is currently insufficient to determine the role of this variant in disease. Therefore, it has been classified as a Variant of Uncertain Significance.

Ambry Genetics
Classification: Uncertain significance for Hereditary cancer-predisposing syndrome. Last evaluated: 2023-02-05. Review status: criteria provided, single submitter. Criteria: Ambry Variant Classification Scheme 2023. Collection method: clinical testing. Allele origin: germline.
Comment: The p.A1879T variant (also known as c.5635G>A), located in coding exon 15 of the APC gene, results from a G to A substitution at nucleotide position 5635. The alanine at codon 1879 is replaced by threonine, an amino acid with similar properties. This amino acid position is conserved. In addition, in silico predictors for this gene do not accurately predict pathogenicity. Since supporting evidence is limited at this time, the clinical significance of this alteration remains unclear.

NM_000038.6(APC):c.5635G>A (p.Ala1879Thr)

Gene: APC (APC regulator of Wnt signaling pathway; plus strand). Cytogenetic location: 5q22.2.
Variant type: single nucleotide variant.
Coding change: c.5635G>A on transcript NM_000038.6 (MANE Select); coding-DNA position 5635, G replaced by A.
Protein change: p.Ala1879Thr; replaces alanine 1879 with threonine.
Molecular consequence: missense variant.
Genome position (GRCh38, 1-based): chr5:112,841,229, G>A. VCF-style: chr5-112841229-G-A. GRCh37 (hg19) VCF-style: chr5-112176926-G-A.
Other names: c.5635G>A, p.Ala1879Thr (NM_001127510.3, NM_001354895.2); c.5581G>A, p.Ala1861Thr (NM_001127511.3); c.5689G>A, p.Ala1897Thr (NM_001354896.2); c.5665G>A, p.Ala1889Thr (NM_001354897.2); c.5560G>A, p.Ala1854Thr (NM_001354898.2); c.5551G>A, p.Ala1851Thr (NM_001354899.2); c.5512G>A, p.Ala1838Thr (NM_001354900.2); c.5458G>A, p.Ala1820Thr (NM_001354901.2); and 6 more; short protein forms A1889T, A1897T, A1596T, A1753T, A1838T, A1854T, A1861T, A1820T.
Identifiers: ClinVar variation 1493216 (VCV001493216.11), dbSNP rs587779799, ClinGen allele CA16033666.